The following is an entry in ClinVar:

ClinVar aggregate classification (germline): Uncertain significance (1 of 4 stars; one submission).

Conditions:
Hereditary nonpolyposis colorectal neoplasms. Identifiers: MedGen C0009405, MeSH D003123.

Submission:

Labcorp Genetics (formerly Invitae), Labcorp
Classification: Uncertain significance for Hereditary nonpolyposis colorectal neoplasms. Last evaluated: 2020-07-07. Review status: criteria provided, single submitter. Criteria: Invitae Variant Classification Sherloc (09022015). Collection method: clinical testing. Allele origin: germline.
Comment: This variant has not been reported in the literature in individuals with PMS2-related conditions. Algorithms developed to predict the effect of missense changes on protein structure and function (SIFT, PolyPhen-2, Align-GVGD) all suggest that this variant is likely to be tolerated, but these predictions have not been confirmed by published functional studies and their clinical significance is uncertain. In summary, the available evidence is currently insufficient to determine the role of this variant in disease. Therefore, it has been classified as a Variant of Uncertain Significance. This variant is not present in population databases (ExAC no frequency). This sequence change replaces phenylalanine with tyrosine at codon 506 of the PMS2 protein (p.Phe506Tyr). The phenylalanine residue is weakly conserved and there is a small physicochemical difference between phenylalanine and tyrosine.

NM_000535.7(PMS2):c.1517T>A (p.Phe506Tyr)

Gene: PMS2 (PMS1 homolog 2, mismatch repair system component; minus strand). Cytogenetic location: 7p22.1.
Variant type: single nucleotide variant.
Coding change: c.1517T>A on transcript NM_000535.7 (MANE Select); coding-DNA position 1517, T replaced by A.
Protein change: p.Phe506Tyr; replaces phenylalanine 506 with tyrosine.
Molecular consequence: missense variant. On other transcripts: non-coding transcript variant (1).
Genome position (GRCh38, 1-based): chr7:5,987,248, A>T on the plus strand (T>A on the coding strand, the complement: PMS2 is on the minus strand). VCF-style: chr7-5987248-A-T. GRCh37 (hg19) VCF-style: chr7-6026879-A-T.
Other names: c.1112T>A, p.Phe371Tyr (NM_001322003.2, NM_001322004.2, NM_001322005.2 and 1 more transcripts); c.1361T>A, p.Phe454Tyr (NM_001322006.2); c.1199T>A, p.Phe400Tyr (NM_001322007.2, NM_001322008.2); c.956T>A, p.Phe319Tyr (NM_001322010.2); c.584T>A, p.Phe195Tyr (NM_001322011.2, NM_001322012.2); c.944T>A, p.Phe315Tyr (NM_001322013.2); c.1517T>A, p.Phe506Tyr (NM_001322014.2); c.1208T>A, p.Phe403Tyr (NM_001322015.2); short protein forms F195Y, F315Y, F319Y, F371Y, F400Y, F403Y, F454Y, F506Y.
Identifiers: ClinVar variation 1014614 (VCV001014614.8), dbSNP rs1325463342, ClinGen allele CA366741703.